The following is an entry in ClinVar:

ClinVar aggregate classification (germline): Benign/Likely benign. Review status: criteria provided, multiple submitters, no conflicts (2 of 4 stars). 4 submissions from 4 submitters: Benign (1); Likely benign (2). 1 of the submissions does not count toward it. Last evaluated 2026-04-01.

Conditions:
PTCH2-related disorder. Also called: PTCH2-related condition; PTCH2-related disease.
Gorlin syndrome. Also called: Nevoid Basal Cell Carcinoma Syndrome; Basal cell nevus syndrome. Identifiers: Orphanet 377, MedGen C0004779, MONDO:0007187.

Allele frequency attached by ClinVar (database versions not stated): 1000 Genomes Project 0.00040; 1000 Genomes Project 30x 0.00047; ESP Exome Variant Server 0.00085; gnomAD exomes 0.00100 and 0.00113; gnomAD 0.00108 and 0.00111; ExAC 0.00111; TOPMed 0.00111.
gnomAD v4.1: 1,809 of 1,614,168 alleles (0.11%); highest among the groups gnomAD compares: Admixed American, 0.2%; 1 homozygote.

Submissions (4):

CeGaT Center for Human Genetics Tuebingen
Classification: Likely benign. Last evaluated: 2026-04-01. Review status: criteria provided, single submitter. Criteria: CeGaT Center For Human Genetics Tuebingen Variant Classification Criteria Version 2. Collection method: clinical testing. Allele origin: germline. Affected: yes. Observed: 17 variant alleles.
Comment: PTCH2: BP4, BP7

Labcorp Genetics (formerly Invitae), Labcorp
Classification: Benign for Gorlin syndrome. Last evaluated: 2026-01-28. Review status: criteria provided, single submitter. Criteria: Invitae Variant Classification Sherloc (09022015). Collection method: clinical testing. Allele origin: germline.

Blueprint Genetics
Classification: Likely benign. Last evaluated: 2024-11-11. Review status: criteria provided, single submitter. Criteria: ACMG Guidelines, 2015. Collection method: clinical testing. Allele origin: germline.

PreventionGenetics, part of Exact Sciences
Classification: Benign for PTCH2-related condition. Last evaluated: 2021-01-18. Review status: no assertion criteria provided. Collection method: clinical testing. Allele origin: germline. Not counted in ClinVar's aggregate classification.
Comment: This variant is classified as benign based on ACMG/AMP sequence variant interpretation guidelines (Richards et al. 2015 PMID: 25741868, with internal and published modifications).

NM_003738.5(PTCH2):c.2013C>T (p.Phe671=)

Gene: PTCH2 (patched 2; minus strand). Cytogenetic location: 1p34.1.
Variant type: single nucleotide variant.
Coding change: c.2013C>T on transcript NM_003738.5 (MANE Select); coding-DNA position 2013, C replaced by T.
Protein change: p.Phe671=; no amino-acid change (phenylalanine 671 retained).
Molecular consequence: synonymous variant.
Genome position (GRCh38, 1-based): chr1:44,827,888, G>A on the plus strand (C>T on the coding strand, the complement: PTCH2 is on the minus strand). VCF-style: chr1-44827888-G-A. GRCh37 (hg19) VCF-style: chr1-45293560-G-A.
Other names: c.2013C>T, p.Phe671= (NM_001166292.2).
Identifiers: ClinVar variation 695301 (VCV000695301.43), dbSNP rs112563011, ClinGen allele CA823133.